The following is an entry in ClinVar:

NM_000081.4(LYST):c.4996G>A (p.Asp1666Asn)

Gene: LYST (lysosomal trafficking regulator; minus strand). Cytogenetic location: 1q42.3.
Variant type: single nucleotide variant.
Coding change: c.4996G>A on transcript NM_000081.4 (MANE Select); coding-DNA position 4996, G replaced by A.
Protein change: p.Asp1666Asn; replaces aspartic acid 1666 with asparagine.
Molecular consequence: missense variant.
Genome position (GRCh38, 1-based): chr1:235,781,954, C>T on the plus strand (G>A on the coding strand, the complement: LYST is on the minus strand). VCF-style: chr1-235781954-C-T. GRCh37 (hg19) VCF-style: chr1-235945254-C-T.
Other names: c.4996G>A (NM_000081.2); c.4996G>A, p.Asp1666Asn (NM_001301365.1); short protein forms D1666N.
Identifiers: ClinVar variation 853696 (VCV000853696.9), dbSNP rs149991106, ClinGen allele CA1466720.

ClinVar aggregate classification (germline): Uncertain significance. Review status: criteria provided, multiple submitters, no conflicts (2 of 4 stars). 2 submissions from 2 submitters: Uncertain significance (2). Last evaluated 2025-01-26.

Conditions:
Inborn genetic diseases. Identifiers: MedGen C0950123, MeSH D030342.
Chédiak-Higashi syndrome (CHS). Also called: Chediak-Higashi Syndrome. Identifiers: Orphanet 167, MedGen C0007965, MONDO:0008963, OMIM 214500.

Allele frequency attached by ClinVar (database versions not stated): gnomAD exomes 0.00001; ExAC 0.00002; TOPMed 0.00004; gnomAD 0.00005; ESP Exome Variant Server 0.00015.
gnomAD v4.1: 19 of 1,613,420 alleles (0.0012%); highest among the groups gnomAD compares: African/African-American, 0.019%; no homozygotes.

Submissions (2):

Ambry Genetics
Classification: Uncertain significance for Inborn genetic diseases. Last evaluated: 2025-01-26. Review status: criteria provided, single submitter. Criteria: Ambry Variant Classification Scheme 2023. Collection method: clinical testing. Allele origin: germline.

Labcorp Genetics (formerly Invitae), Labcorp
Classification: Uncertain significance for Chédiak-Higashi syndrome. Last evaluated: 2024-06-12. Review status: criteria provided, single submitter. Criteria: Invitae Variant Classification Sherloc (09022015). Collection method: clinical testing. Allele origin: germline.
Comment: This sequence change replaces aspartic acid, which is acidic and polar, with asparagine, which is neutral and polar, at codon 1666 of the LYST protein (p.Asp1666Asn). This variant is present in population databases (rs149991106, gnomAD 0.007%). This variant has not been reported in the literature in individuals affected with LYST-related conditions. ClinVar contains an entry for this variant (Variation ID: 853696). Advanced modeling of protein sequence and biophysical properties (such as structural, functional, and spatial information, amino acid conservation, physicochemical variation, residue mobility, and thermodynamic stability) performed at Invitae indicates that this missense variant is not expected to disrupt LYST protein function with a negative predictive value of 80%. In summary, the available evidence is currently insufficient to determine the role of this variant in disease. Therefore, it has been classified as a Variant of Uncertain Significance.